The following is an entry in ClinVar:

NM_000548.5(TSC2):c.1362-1G>C

Gene: TSC2 (TSC complex subunit 2; plus strand). Cytogenetic location: 16p13.3.
Variant type: single nucleotide variant.
Coding change: c.1362-1G>C on transcript NM_000548.5 (MANE Select); the canonical splice acceptor site of the intron before coding-DNA position 1362, G replaced by C.
Molecular consequence: splice acceptor variant. On other transcripts: intron variant (1).
Genome position (GRCh38, 1-based): chr16:2,062,971, G>C. VCF-style: chr16-2062971-G-C. GRCh37 (hg19) VCF-style: chr16-2112972-G-C.
Other names: c.18-1G>C (NM_001406693.1, NM_001406689.1, NM_001406690.1 and 6 more transcripts); c.1452-1G>C (NM_001406667.1, NM_001406668.1); c.762-1G>C (NM_001406680.1, NM_001406683.1, NM_001406687.1 and 6 more transcripts); c.-160+371G>C (NM_001406698.1); c.1362-1G>C (NM_001114382.3, NM_001406663.1, NM_001406664.1 and 6 more transcripts); c.1350-1G>C (NM_001406671.1, NM_001406673.1); c.900-1G>C (NM_001406681.1); c.1251-1G>C (NM_001406670.1, NM_001318827.2, NM_001406678.1); and 3 more.
Identifiers: ClinVar variation 4685675 (VCV004685675.1).

ClinVar aggregate classification (germline): Pathogenic (1 of 4 stars; one submission).

Submission:

ARUP Laboratories, Molecular Genetics and Genomics, ARUP Laboratories
Classification: Pathogenic. Last evaluated: 2025-03-12. Review status: criteria provided, single submitter. Criteria: ARUP Molecular Germline Variant Investigation Process 2024. Collection method: clinical testing. Allele origin: germline.
Comment: The TSC2 c.1362-1G>C variant, to our knowledge, is not reported in the medical literature or gene specific databases. This variant is also absent from the Genome Aggregation Database (v2.1.1), indicating it is not a common polymorphism. This variant disrupts the canonical splice acceptor site of intron 13, which is likely to negatively impact gene function. Additionally, other variants involving this splice acceptor site (c.1362-2A>G, c.1362-1G>A) have been reported in individuals with tuberous sclerosis complex and are considered disease-causing (Rendtorff 2005, Zhang 2015). Based on available information, the c.1362-1G>C variant is considered to be pathogenic. References: Rendtorff ND et al. Analysis of 65 tuberous sclerosis complex (TSC) patients by TSC2 DGGE, TSC1/TSC2 MLPA, and TSC1 long-range PCR sequencing, and report of 28 novel mutations. Hum Mutat. 2005 Oct;26(4):374-83. PMID: 16114042 Zhang Y et al. TSC1 R509X Mutation in a Chinese Family with Tuberous Sclerosis Complex. Neuromolecular Med. 2015 Jun;17(2):202-8. PMID: 25900779.